The following is an entry in ClinVar:

ClinVar aggregate classification (germline): Likely pathogenic (1 of 4 stars; one submission).

Submission:

Quest Diagnostics Nichols Institute San Juan Capistrano
Classification: Likely pathogenic. Last evaluated: 2021-08-21. Review status: criteria provided, single submitter. Criteria: ACMG/ClinGen CNV Guidelines, 2019. Collection method: clinical testing. Allele origin: unknown.
Comment: The copy number loss of 2q11.1q11.2 encompasses the 2q11.2 recurrent region, deletions of which have been reported (ClinGen available at ClinGen). Riley et al. reported de novo or familial deletions of this locus in five unrelated patients with variable clinical features, such as hypotonia, developmental delay (DD), intellectual disability (ID), speech delay, attention deficit disorder, and facial dysmorphism (Riley 2015). The authors suggested incomplete penetrance and variable expressivity of their 2q11.2 deletions. Rudd et al also reported a similar deletion at 2q11.2 in an individual with learning disability, ADHD, scoliosis, cafe au lait spots, and additional malformations (Rudd 2009). Although, a large-size case-control study in children with ID/DD, multiple congenital anomalies (MCA), and other developmental phenotypes demonstrated a nominal level of significance in support of enrichment of this deletion in a cased (6/29,085 cases versus 0/19,584 controls, p=0.455; Coe 2014)(ClinGen available at ClinGen). Among the genes involved in this interval, heterozygous loss-of-function sequence variants of TMEM127 have been associated with autosomal dominant susceptibility to pheochromocytoma (OMIM 171300)(also refer to Bausch 2017; Aim 2019), with variable expressivity and reduced penetrance . There are 2 other autosomal dominant genes, STARD7 (OMIM 616712), SNRNP200 (OMIM 601664), however, haploinsufficiency of these 2 genes has not been established. Further, there are no full copy number losses of this region in the general populations of the Database of Genomic Variants. Based on literature review and the characteristics of the gene involved, the clinical significance of this copy number variation (CNV) has been interpreted as likely pathogenic. References: Aim et al. J Med Genet. 2019 Aug;56(8):513-520. PMID: 30877234. Bausch et al. JAMA Oncol. 2017 Sep 1;3(9):1204-1212. PMID: 28384794 Coe et al. Nat Genet. 2014 Oct;46(10):1063-71. PMID: 25217958. Riley et al. Am J Med Genet A. 2015 Nov;167A(11):2664-73. PMID: 26227573. Rudd et al., Hum Mol Genet. 2009 Aug 15;18(16):2957-62. PMID: 19443486

GRCh37/hg19 2q11.1-11.2(chr2:96712139-98254657)x1

Genes: ADRA2B (adrenoceptor alpha 2B; minus strand), ANKRD23 (ankyrin repeat domain 23; minus strand), ANKRD36 (ankyrin repeat domain 36; plus strand), FAHD2B (fumarylacetoacetate hydrolase domain containing 2B; minus strand), FAM178B (family with sequence similarity 178 member B; minus strand) and 17 more. Cytogenetic location: 2q11.1-11.2.
Variant type: copy number loss.
Change: copy number 1 (one copy instead of two) of chr2:96,712,139-98,254,657 (1.54 Mb, GRCh37 coordinates, 1-based), cytogenetic band 2q11.1-11.2.
Identifiers: ClinVar variation 814283 (VCV000814283.2).